The following is an entry in ClinVar:

NM_000368.5(TSC1):c.2803C>T (p.Leu935Phe)

Gene: TSC1 (TSC complex subunit 1; minus strand). Cytogenetic location: 9q34.13.
Variant type: single nucleotide variant.
Coding change: c.2803C>T on transcript NM_000368.5 (MANE Select); coding-DNA position 2803, C replaced by T.
Protein change: p.Leu935Phe; replaces leucine 935 with phenylalanine.
Molecular consequence: missense variant.
Genome position (GRCh38, 1-based): chr9:132,897,433, G>A on the plus strand (C>T on the coding strand, the complement: TSC1 is on the minus strand). VCF-style: chr9-132897433-G-A. GRCh37 (hg19) VCF-style: chr9-135772820-G-A.
Other names: c.2800C>T, p.Leu934Phe (NM_001162426.2); c.2650C>T, p.Leu884Phe (NM_001162427.2); c.2440C>T, p.Leu814Phe (NM_001362177.2); short protein forms L814F, L935F, L884F, L934F.
Identifiers: ClinVar variation 1493153 (VCV001493153.12), dbSNP rs1172586020, ClinGen allele CA375369018.

ClinVar aggregate classification (germline): Conflicting classifications of pathogenicity. Review status: criteria provided, conflicting classifications (1 of 4 stars). 3 submissions from 3 submitters: Uncertain significance (1); Likely benign (2). Last evaluated 2025-11-04.

Conditions:
Hereditary cancer-predisposing syndrome. Also called: Neoplastic Syndromes, Hereditary; Tumor predisposition; Hereditary neoplastic syndrome; Hereditary Cancer Syndrome. Identifiers: Orphanet 140162, MedGen C0027672, MeSH D009386, MONDO:0015356.
Tuberous sclerosis 1 (TSC1). Identifiers: Orphanet 805, MedGen C1854465, MONDO:0008612, OMIM 191100.

Allele frequency attached by ClinVar (database versions not stated): gnomAD 0.00001.
gnomAD v4.1: 1 of 1,614,056 alleles (0.000062%); highest among the groups gnomAD compares: Non-Finnish European, 0.000085%; no homozygotes.

Submissions (3):

Labcorp Genetics (formerly Invitae), Labcorp
Classification: Likely benign for Tuberous sclerosis 1. Last evaluated: 2025-11-04. Review status: criteria provided, single submitter. Criteria: Invitae Variant Classification Sherloc (09022015). Collection method: clinical testing. Allele origin: germline.

Ambry Genetics
Classification: Likely benign for Hereditary cancer-predisposing syndrome. Last evaluated: 2025-03-07. Review status: criteria provided, single submitter. Criteria: Ambry Variant Classification Scheme 2023. Collection method: clinical testing. Allele origin: germline.

Quest Diagnostics Nichols Institute San Juan Capistrano
Classification: Uncertain significance. Last evaluated: 2024-10-14. Review status: criteria provided, single submitter. Criteria: Quest Diagnostics criteria. Collection method: clinical testing. Allele origin: unknown.
Comment: The TSC1 c.2803C>T (p.Leu935Phe) variant has not been reported in individuals with TSC1-related conditions in the published literature. The frequency of this variant in the general population, 0.000032 (1/31374 chromosomes (Genome Aggregation Database)), is uninformative in the assessment of its pathogenicity. Analysis of this variant using bioinformatics tools for the prediction of the effect of amino acid changes on protein structure and function yielded predictions that this variant is benign. Based on the available information, we are unable to determine the clinical significance of this variant.